The following is an entry in ClinVar:

NM_133642.5(LARGE1):c.929T>A (p.Met310Lys)

Gene: LARGE1 (LARGE xylosyl- and glucuronyltransferase 1; minus strand). Cytogenetic location: 22q12.3.
Variant type: single nucleotide variant.
Coding change: c.929T>A on transcript NM_133642.5 (MANE Select); coding-DNA position 929, T replaced by A.
Protein change: p.Met310Lys; replaces methionine 310 with lysine.
Molecular consequence: missense variant.
Genome position (GRCh38, 1-based): chr22:33,384,268, A>T on the plus strand (T>A on the coding strand, the complement: LARGE1 is on the minus strand). VCF-style: chr22-33384268-A-T. GRCh37 (hg19) VCF-style: chr22-33780254-A-T.
Other names: c.929T>A, p.Met310Lys (NM_001362949.2, NM_001362951.2, NM_001362953.2 and 7 more transcripts); c.326T>A, p.Met109Lys (NM_001378630.1, NM_001378631.1); short protein forms M310K, M109K.
Identifiers: ClinVar variation 452074 (VCV000452074.2), dbSNP rs1555908091, ClinGen allele CA411545192.

ClinVar aggregate classification (germline): Uncertain significance (1 of 4 stars; one submission).

Submission:

GeneDx
Classification: Uncertain significance. Last evaluated: 2017-09-12. Review status: criteria provided, single submitter. Criteria: GeneDx Variant Classification (06012015). Collection method: clinical testing. Allele origin: germline. Affected: yes.
Comment: A variant of uncertain significance has been identified in the LARGE gene. The M310K variant has not been published as a pathogenic variant, nor has it been reported as a benign variant to our knowledge. The M310K variant is not observed in large population cohorts (Lek et al., 2016; 1000 Genomes Consortium et al., 2015; Exome Variant Server). This substitution occurs at a position where amino acids with similar properties to Methionine are tolerated across species. However, the M310K variant is a non-conservative amino acid substitution, which is likely to impact secondary protein structure as these residues differ in polarity, charge, size and/or other properties. In silico analysis predicts this variant is probably damaging to the protein structure/function. Therefore, based on the currently available information, it is unclear whether this variant is a pathogenic variant or a rare benign variant.